The following is an entry in ClinVar:

ClinVar aggregate classification (germline): Uncertain significance (1 of 4 stars; one submission).

Allele frequency attached by ClinVar (database versions not stated): gnomAD 0.00001; 1000 Genomes Project 30x 0.00016; 1000 Genomes Project 0.00020; gnomAD exomes 0.00001; TOPMed below 0.00001; ExAC 0.00001.
gnomAD v4.1: 19 of 1,613,830 alleles (0.0012%); highest among the groups gnomAD compares: Non-Finnish European, 0.0016%; no homozygotes.

Submission:

Labcorp Genetics (formerly Invitae), Labcorp
Classification: Uncertain significance. Last evaluated: 2026-01-27. Review status: criteria provided, single submitter. Criteria: Invitae Variant Classification Sherloc (09022015). Collection method: clinical testing. Allele origin: germline.
Comment: This sequence change replaces glutamine, which is neutral and polar, with glutamic acid, which is acidic and polar, at codon 46 of the FAR1 protein (p.Gln46Glu). This variant is present in population databases (rs202010733, gnomAD 0.002%). This variant has not been reported in the literature in individuals affected with FAR1-related conditions. ClinVar contains an entry for this variant (Variation ID: 1401616). Invitae Evidence Modeling of protein sequence and biophysical properties (such as structural, functional, and spatial information, amino acid conservation, physicochemical variation, residue mobility, and thermodynamic stability) indicates that this missense variant is not expected to disrupt FAR1 protein function with a negative predictive value of 80%. In summary, the available evidence is currently insufficient to determine the role of this variant in disease. Therefore, it has been classified as a Variant of Uncertain Significance.

NM_032228.6(FAR1):c.136C>G (p.Gln46Glu)

Gene: FAR1 (fatty acyl-CoA reductase 1; plus strand). Cytogenetic location: 11p15.3.
Variant type: single nucleotide variant.
Coding change: c.136C>G on transcript NM_032228.6 (MANE Select); coding-DNA position 136, C replaced by G.
Protein change: p.Gln46Glu; replaces glutamine 46 with glutamic acid.
Molecular consequence: missense variant.
Genome position (GRCh38, 1-based): chr11:13,694,901, C>G. VCF-style: chr11-13694901-C-G. GRCh37 (hg19) VCF-style: chr11-13716448-C-G.
Other names: short protein forms Q46E.
Identifiers: ClinVar variation 1401616 (VCV001401616.6), dbSNP rs202010733, ClinGen allele CA5893247.